The following is an entry in ClinVar:

ClinVar aggregate classification (germline): Conflicting classifications of pathogenicity. Review status: criteria provided, conflicting classifications (1 of 4 stars). 5 submissions from 5 submitters: Uncertain significance (1); Benign (1); Likely benign (3). Last evaluated 2025-12-21.

Conditions:
Retinitis pigmentosa (RP). Identifiers: Orphanet 791, MedGen C0035334, MeSH D012174, MONDO:0019200, OMIM 268000. Inheritance: Autosomal dominant, autosomal recessive and X linked inheritance.
PDE6A-related disorder. Also called: PDE6A-related condition.
Retinal dystrophy. Also called: Inherited retinal dystrophy. Identifiers: Orphanet 71862, MedGen C0854723, MeSH D058499, MONDO:0019118, HP:0000556.

Allele frequency attached by ClinVar (database versions not stated): gnomAD 0.00014 and 0.00015; 1000 Genomes Project 30x 0.00016; TOPMed 0.00019; 1000 Genomes Project 0.00020; ExAC 0.00023; gnomAD exomes 0.00024.
gnomAD v4.1: 293 of 1,613,722 alleles (0.018%); highest among the groups gnomAD compares: East Asian, 0.61%; 1 homozygote.

Submissions (5):

Labcorp Genetics (formerly Invitae), Labcorp
Classification: Likely benign. Last evaluated: 2025-12-21. Review status: criteria provided, single submitter. Criteria: Invitae Variant Classification Sherloc (09022015). Collection method: clinical testing. Allele origin: germline.

PreventionGenetics, part of Exact Sciences
Classification: Likely benign for PDE6A-related condition. Last evaluated: 2024-12-13. Review status: criteria provided, single submitter. Criteria: ACMG Guidelines, 2015. Collection method: clinical testing. Allele origin: germline.
Comment: This variant is classified as likely benign based on ACMG/AMP sequence variant interpretation guidelines (Richards et al. 2015 PMID: 25741868, with internal and published modifications).

Dept Of Ophthalmology, Nagoya University
Classification: Benign for Retinal dystrophy. Last evaluated: 2023-10-01. Review status: criteria provided, single submitter. Criteria: Submitter's publication. Collection method: research. Allele origin: germline. Affected: yes.

Blueprint Genetics
Classification: Likely benign. Last evaluated: 2023-03-31. Review status: criteria provided, single submitter. Criteria: ACMG Guidelines, 2015. Collection method: clinical testing. Allele origin: germline.

Illumina Laboratory Services, Illumina
Classification: Uncertain significance for Retinitis pigmentosa. Last evaluated: 2018-01-12. Review status: criteria provided, single submitter. Criteria: ICSL Variant Classification Criteria 13 December 2019. Collection method: clinical testing. Allele origin: germline.

NM_000440.3(PDE6A):c.1954C>T (p.Arg652Cys)

Gene: PDE6A (phosphodiesterase 6A; minus strand). Cytogenetic location: 5q32.
Variant type: single nucleotide variant.
Coding change: c.1954C>T on transcript NM_000440.3 (MANE Select); coding-DNA position 1954, C replaced by T.
Protein change: p.Arg652Cys; replaces arginine 652 with cysteine.
Molecular consequence: missense variant.
Genome position (GRCh38, 1-based): chr5:149,884,552, G>A on the plus strand (C>T on the coding strand, the complement: PDE6A is on the minus strand). VCF-style: chr5-149884552-G-A. GRCh37 (hg19) VCF-style: chr5-149264115-G-A.
Other names: short protein forms R652C.
Identifiers: ClinVar variation 351983 (VCV000351983.18), dbSNP rs199748187, ClinGen allele CA3504455.